The following is an entry in ClinVar:

ClinVar aggregate classification (germline): Uncertain significance. Review status: criteria provided, multiple submitters, no conflicts (2 of 4 stars). 2 submissions from 2 submitters: Uncertain significance (2). Last evaluated 2024-04-26.

Conditions:
Hereditary cancer-predisposing syndrome. Also called: Hereditary neoplastic syndrome; Neoplastic Syndromes, Hereditary; Hereditary Cancer Syndrome; Tumor predisposition. Identifiers: Orphanet 140162, MedGen C0027672, MeSH D009386, MONDO:0015356.

Allele frequency attached by ClinVar (database versions not stated): TOPMed below 0.00001.

Submissions (2):

Ambry Genetics
Classification: Uncertain significance for Hereditary cancer-predisposing syndrome. Last evaluated: 2024-04-26. Review status: criteria provided, single submitter. Criteria: Ambry Variant Classification Scheme 2023. Collection method: clinical testing. Allele origin: germline.
Comment: The p.R367G variant (also known as c.1099A>G), located in coding exon 8 of the RAD50 gene, results from an A to G substitution at nucleotide position 1099. The arginine at codon 367 is replaced by glycine, an amino acid with dissimilar properties. This amino acid position is highly conserved in available vertebrate species. In addition, the in silico prediction for this alteration is inconclusive. Since supporting evidence is limited at this time, the clinical significance of this alteration remains unclear.

Labcorp Genetics (formerly Invitae), Labcorp
Classification: Uncertain significance for Hereditary cancer-predisposing syndrome. Last evaluated: 2022-06-13. Review status: criteria provided, single submitter. Criteria: Invitae Variant Classification Sherloc (09022015). Collection method: clinical testing. Allele origin: germline.
Comment: ClinVar contains an entry for this variant (Variation ID: 659722). In summary, the available evidence is currently insufficient to determine the role of this variant in disease. Therefore, it has been classified as a Variant of Uncertain Significance. Algorithms developed to predict the effect of missense changes on protein structure and function are either unavailable or do not agree on the potential impact of this missense change (SIFT: "Tolerated"; PolyPhen-2: "Probably Damaging"; Align-GVGD: "Class C0"). This variant has not been reported in the literature in individuals affected with RAD50-related conditions. This variant is not present in population databases (gnomAD no frequency). This sequence change replaces arginine, which is basic and polar, with glycine, which is neutral and non-polar, at codon 367 of the RAD50 protein (p.Arg367Gly).

NM_005732.4(RAD50):c.1099A>G (p.Arg367Gly)

Gene: RAD50 (RAD50 double strand break repair protein; plus strand). Cytogenetic location: 5q31.1.
Variant type: single nucleotide variant.
Coding change: c.1099A>G on transcript NM_005732.4 (MANE Select); coding-DNA position 1099, A replaced by G.
Protein change: p.Arg367Gly; replaces arginine 367 with glycine.
Molecular consequence: missense variant.
Genome position (GRCh38, 1-based): chr5:132,588,734, A>G. VCF-style: chr5-132588734-A-G. GRCh37 (hg19) VCF-style: chr5-131924426-A-G.
Other names: short protein forms R367G.
Identifiers: ClinVar variation 659722 (VCV000659722.16), dbSNP rs1186633489, ClinGen allele CA360942316.